The following is an entry in ClinVar:

ClinVar aggregate classification (germline): Pathogenic/Likely pathogenic. Review status: criteria provided, multiple submitters, no conflicts (2 of 4 stars). 4 submissions from 4 submitters: Pathogenic (2); Likely pathogenic (2). Last evaluated 2023-03-20.

Conditions:
X-linked Alport syndrome (ATS1). Also called: NEPHROPATHY AND DEAFNESS, X-LINKED; COL4A5-Related Nephropathy. Identifiers: Orphanet 63, Orphanet 88917, MedGen C4746986, MONDO:0010520, OMIM 301050.

Submissions (4):

Laboratorio de Genetica e Diagnostico Molecular, Hospital Israelita Albert Einstein
Classification: Likely pathogenic for X-linked Alport syndrome. Last evaluated: 2023-03-20. Review status: criteria provided, single submitter. Criteria: ACMG Guidelines, 2015. Collection method: clinical testing. Allele origin: germline. Affected: yes.
Comment: ACMG classification criteria: PVS1 strong, PM2 moderate

Fulgent Genetics
Classification: Likely pathogenic for X-linked Alport syndrome. Last evaluated: 2021-06-30. Review status: criteria provided, single submitter. Criteria: ACMG Guidelines, 2015. Collection method: clinical testing. Allele origin: unknown.
Comment: This variant has been detected in individual(s) who were sent for testing of Renasight - kidney gene panel.

Labcorp Genetics (formerly Invitae), Labcorp
Classification: Pathogenic. Last evaluated: 2019-11-28. Review status: criteria provided, single submitter. Criteria: Invitae Variant Classification Sherloc (09022015). Collection method: clinical testing. Allele origin: germline.
Comment: This variant is not present in population databases (ExAC no frequency). For these reasons, this variant has been classified as Pathogenic. This variant disrupts the C-terminus of the COL4A5 protein. Other variant(s) that disrupt this region (p.Arg1674*) have been determined to be pathogenic (PMID: 12105244,20378821, Invitae). This suggests that variants that disrupt this region of the protein are likely to be causative of disease. This variant has not been reported in the literature in individuals with COL4A5-related conditions. This sequence change results in a premature translational stop signal in the COL4A5 gene (p.Trp1648*). While this is not anticipated to result in nonsense mediated decay, it is expected to disrupt the last 38 amino acids of the COL4A5 protein.

Precision Medicine Center, Zhengzhou University
Classification: Pathogenic for X-linked Alport syndrome. Review status: criteria provided, single submitter. Criteria: ACMG Guidelines, 2015. Collection method: research. Allele origin: germline. Affected: yes.
Comment: PVS1:Null variant in the gene with established LOF as a disease mechanism PM2:not found in gnomAD PP3:Multiple lines of computational evidence support a deleterious effect on the gene or gene product

Literature cited by the submitters: PubMed 12105244 (cited by Labcorp Genetics (formerly Invitae), Labcorp); PubMed 20378821 (cited by Labcorp Genetics (formerly Invitae), Labcorp).

NM_033380.3(COL4A5):c.4962G>A (p.Trp1654Ter)

Gene: COL4A5 (collagen type IV alpha 5 chain; plus strand). Cytogenetic location: Xq22.3.
Variant type: single nucleotide variant.
Coding change: c.4962G>A on transcript NM_033380.3 (MANE Select); coding-DNA position 4962, G replaced by A.
Protein change: p.Trp1654Ter; replaces tryptophan 1654 with a stop codon.
Molecular consequence: nonsense.
Genome position (GRCh38, 1-based): chrX:108,695,407, G>A. VCF-style: chrX-108695407-G-A. GRCh37 (hg19) VCF-style: chrX-107938637-G-A.
Other names: c.4944G>A, p.Trp1648Ter (NM_000495.5); short protein forms W1648*, W1654*.
Identifiers: ClinVar variation 860456 (VCV000860456.14), dbSNP rs2068718016, ClinGen allele CA414132946.
Genomic context (GRCh38, chrX:108,695,407, plus strand): 5'-CTTCATCGAATGTCATGGGAGGGGTACCTGTAACTACTATGCCAACTCCTACAGCTTTTG[G>A]CTGGCAACTGTAGATGTGTCAGACATGTTCAGGTAAAGTGCTTATAGCTTTAATTCAGGT-3'